The following is an entry in ClinVar:

ClinVar aggregate classification (germline): Uncertain significance (1 of 4 stars; one submission).

gnomAD v4.1: 6 of 1,614,084 alleles (0.00037%); highest among the groups gnomAD compares: African/African-American, 0.0053%; no homozygotes.

Submission:

Dasa
Classification: Uncertain significance. Last evaluated: 2026-05-18. Review status: criteria provided, single submitter. Criteria: DASA Assertion Criteria. Collection method: clinical testing. Allele origin: germline.
Comment: NM_018489.3(ASH1L):c.6892A>G (p.Met2298Val) is a missense variant that results in the substitution of methionine with valine. This variant is rare in population databases. The currently available literature and clinical evidence are not sufficient to establish a definitive association between this variant and the reported condition. Therefore, this variant is classified as a variant of uncertain significance.

NM_018489.3(ASH1L):c.6892A>G (p.Met2298Val)

Gene: ASH1L (ASH1 like histone lysine methyltransferase; minus strand). Cytogenetic location: 1q22.
Variant type: single nucleotide variant.
Coding change: c.6892A>G on transcript NM_018489.3 (MANE Select); coding-DNA position 6892, A replaced by G.
Protein change: p.Met2298Val; replaces methionine 2298 with valine.
Molecular consequence: missense variant.
Genome position (GRCh38, 1-based): chr1:155,357,653, T>C on the plus strand (A>G on the coding strand, the complement: ASH1L is on the minus strand). VCF-style: chr1-155357653-T-C. GRCh37 (hg19) VCF-style: chr1-155327444-T-C.
Other names: c.6907A>G, p.Met2303Val (NM_001366177.2); short protein forms M2298V, M2303V.
Identifiers: ClinVar variation 5020549 (VCV005020549.1).
Genomic context (GRCh38, chr1:155,357,653, plus strand): 5'-TCAGCTTGTGCTTAGACTTTCTCTTCTCTTTTGACCGTCCAGATTTTTTGTGTGTGGCCA[T>C]GGGCTGGCTGTTTTTGCTGCTGGTGAGTCCATTCACACGCTGACTCTTGCCTCCGATGAT-3'
Protein context (NP_060959.2, residues 2288-2308): GLTSSKNSQP[Met2298Val]ATHKKSGRSK